The following is an entry in ClinVar:

NM_182493.3(MYLK3):c.2111T>A (p.Met704Lys)

Gene: MYLK3 (myosin light chain kinase 3; minus strand). Cytogenetic location: 16q11.2.
Variant type: single nucleotide variant.
Coding change: c.2111T>A on transcript NM_182493.3 (MANE Select); coding-DNA position 2111, T replaced by A.
Protein change: p.Met704Lys; replaces methionine 704 with lysine.
Molecular consequence: missense variant.
Genome position (GRCh38, 1-based): chr16:46,712,651, A>T on the plus strand (T>A on the coding strand, the complement: MYLK3 is on the minus strand). VCF-style: chr16-46712651-A-T. GRCh37 (hg19) VCF-style: chr16-46746563-A-T.
Other names: c.1088T>A, p.Met363Lys (NM_001308301.1); short protein forms M363K, M704K.
Identifiers: ClinVar variation 1396391 (VCV001396391.6), dbSNP rs2143012724, ClinGen allele CA395787741.
Genomic context (GRCh38, chr16:46,712,651, plus strand): 5'-CAAAGGAAGACAAATGACCCCTGTCCCCACTTCAGAGCCAGGGTGCTAAGCACTCACAGC[A>T]TGTAGGTGATGACTCCCACACTCCACATGTCTGTGGGGAATGAGACAAACTCATAATTGA-3'
Protein context (NP_872299.2, residues 694-714): DMWSVGVITY[Met704Lys]LLSGLSPFLG

ClinVar aggregate classification (germline): Uncertain significance (1 of 4 stars; one submission).

Allele frequency attached by ClinVar (database versions not stated): gnomAD exomes below 0.00001.
gnomAD v4.1: 2 of 1,526,982 alleles (0.00013%); highest among the groups gnomAD compares: Non-Finnish European, 0.00018%; no homozygotes.

Submission:

Labcorp Genetics (formerly Invitae), Labcorp
Classification: Uncertain significance. Last evaluated: 2025-08-13. Review status: criteria provided, single submitter. Criteria: Invitae Variant Classification Sherloc (09022015). Collection method: clinical testing. Allele origin: germline.
Comment: This sequence change replaces methionine, which is neutral and non-polar, with lysine, which is basic and polar, at codon 704 of the MYLK3 protein (p.Met704Lys). This variant is not present in population databases (gnomAD no frequency). This variant has not been reported in the literature in individuals affected with MYLK3-related conditions. ClinVar contains an entry for this variant (Variation ID: 1396391). An algorithm developed to predict the effect of missense changes on protein structure and function (PolyPhen-2) suggests that this variant is likely to be disruptive. In summary, the available evidence is currently insufficient to determine the role of this variant in disease. Therefore, it has been classified as a Variant of Uncertain Significance.